The following is an entry in ClinVar:

ClinVar aggregate classification (germline): Uncertain significance (1 of 4 stars; one submission).

Conditions:
CHARGE syndrome (CHARGE). Also called: Coloboma, heart anomaly, choanal atresia, retardation, genital and ear anomalies; CHARGE association; Hall-Hittner syndrome; Hittner Hirsch Kreh syndrome; CHARGE ASSOCIATION--COLOBOMA, HEART ANOMALY, CHOANAL ATRESIA, RETARDATION, GENITAL AND EAR ANOMALIES. Identifiers: Orphanet 138, MedGen C0265354, MONDO:0008965.

Allele frequency attached by ClinVar (database versions not stated): TOPMed below 0.00001; gnomAD 0.00001; gnomAD exomes 0.00001.
gnomAD v4.1: 17 of 1,613,594 alleles (0.0011%); highest among the groups gnomAD compares: Non-Finnish European, 0.0014%; no homozygotes.

Submission:

Labcorp Genetics (formerly Invitae), Labcorp
Classification: Uncertain significance for CHARGE syndrome. Last evaluated: 2025-03-31. Review status: criteria provided, single submitter. Criteria: Invitae Variant Classification Sherloc (09022015). Collection method: clinical testing. Allele origin: germline.
Comment: This sequence change replaces proline, which is neutral and non-polar, with leucine, which is neutral and non-polar, at codon 1813 of the CHD7 protein (p.Pro1813Leu). This variant is present in population databases (no rsID available, gnomAD 0.002%). This variant has not been reported in the literature in individuals affected with CHD7-related conditions. ClinVar contains an entry for this variant (Variation ID: 1426535). Invitae Evidence Modeling of protein sequence and biophysical properties (such as structural, functional, and spatial information, amino acid conservation, physicochemical variation, residue mobility, and thermodynamic stability) has been performed for this missense variant. However, the output from this modeling did not meet the statistical confidence thresholds required to predict the impact of this variant on CHD7 protein function. In summary, the available evidence is currently insufficient to determine the role of this variant in disease. Therefore, it has been classified as a Variant of Uncertain Significance.

NM_017780.4(CHD7):c.5438C>T (p.Pro1813Leu)

Gene: CHD7 (chromodomain helicase DNA binding protein 7; plus strand). Cytogenetic location: 8q12.2.
Variant type: single nucleotide variant.
Coding change: c.5438C>T on transcript NM_017780.4 (MANE Select); coding-DNA position 5438, C replaced by T.
Protein change: p.Pro1813Leu; replaces proline 1813 with leucine.
Molecular consequence: missense variant. On other transcripts: intron variant (1).
Genome position (GRCh38, 1-based): chr8:60,850,526, C>T. VCF-style: chr8-60850526-C-T. GRCh37 (hg19) VCF-style: chr8-61763085-C-T.
Other names: c.1717-11703C>T (NM_001316690.1); short protein forms P1813L.
Identifiers: ClinVar variation 1426535 (VCV001426535.6), dbSNP rs1317412492, ClinGen allele CA371321568.